The following is an entry in ClinVar:

NM_001267550.2(TTN):c.69041A>T (p.Asp23014Val)

Genes: TTN (titin; minus strand), TTN-AS1 (TTN antisense RNA 1; plus strand). Cytogenetic location: 2q31.2.
Variant type: single nucleotide variant.
Coding change: c.69041A>T on transcript NM_001267550.2 (MANE Select); coding-DNA position 69041, A replaced by T.
Protein change: p.Asp23014Val; replaces aspartic acid 23014 with valine.
Molecular consequence: missense variant.
Genome position (GRCh38, 1-based): chr2:178,577,294, T>A on the plus strand (A>T on the coding strand, the complement: TTN is on the minus strand). VCF-style: chr2-178577294-T-A. GRCh37 (hg19) VCF-style: chr2-179442021-T-A.
Other names: c.64118A>T, p.Asp21373Val (NM_001256850.1); c.41846A>T, p.Asp13949Val (NM_003319.4); c.61337A>T, p.Asp20446Val (NM_133378.4); c.42221A>T, p.Asp14074Val (NM_133432.3); c.42422A>T, p.Asp14141Val (NM_133437.4); short protein forms D13949V, D23014V, D14141V, D14074V, D20446V, D21373V.
Identifiers: ClinVar variation 669370 (VCV000669370.1), dbSNP rs1394733017, ClinGen allele CA349670339.

ClinVar aggregate classification (germline): Likely benign (1 of 4 stars; one submission).

Submission:

GeneDx
Classification: Likely benign. Last evaluated: 2018-06-06. Review status: criteria provided, single submitter. Criteria: GeneDx Variant Classification (06012015). Collection method: clinical testing. Allele origin: germline. Affected: yes.
Comment: This variant is considered likely benign or benign based on one or more of the following criteria: it is a conservative change, it occurs at a poorly conserved position in the protein, it is predicted to be benign by multiple in silico algorithms, and/or has population frequency not consistent with disease.